The following is an entry in ClinVar:

ClinVar aggregate classification (germline): Uncertain significance. Review status: criteria provided, multiple submitters, no conflicts (2 of 4 stars). 4 submissions from 4 submitters: Uncertain significance (3). 1 of the submissions does not count toward it. Last evaluated 2023-09-07.

Conditions:
Retinal dystrophy. Also called: Inherited retinal dystrophy. Identifiers: Orphanet 71862, MedGen C0854723, MeSH D058499, MONDO:0019118, HP:0000556.

Allele frequency attached by ClinVar (database versions not stated): ExAC 0.00001; gnomAD exomes 0.00001; TOPMed 0.00001.
gnomAD v4.1: 19 of 1,613,714 alleles (0.0012%); highest among the groups gnomAD compares: Middle Eastern, 0.05%; no homozygotes.

Submissions (4):

Blueprint Genetics
Classification: Uncertain significance. Last evaluated: 2023-09-07. Review status: criteria provided, single submitter. Criteria: ACMG Guidelines, 2015. Collection method: clinical testing. Allele origin: germline.

Labcorp Genetics (formerly Invitae), Labcorp
Classification: Uncertain significance. Last evaluated: 2022-08-15. Review status: criteria provided, single submitter. Criteria: Invitae Variant Classification Sherloc (09022015). Collection method: clinical testing. Allele origin: germline.
Comment: Algorithms developed to predict the effect of missense changes on protein structure and function (SIFT, PolyPhen-2, Align-GVGD) all suggest that this variant is likely to be disruptive. In summary, the available evidence is currently insufficient to determine the role of this variant in disease. Therefore, it has been classified as a Variant of Uncertain Significance. This sequence change replaces glycine, which is neutral and non-polar, with valine, which is neutral and non-polar, at codon 88 of the IMPG2 protein (p.Gly88Val). This variant is present in population databases (rs759521183, gnomAD 0.003%). This variant has not been reported in the literature in individuals affected with IMPG2-related conditions. ClinVar contains an entry for this variant (Variation ID: 954767).

Breakthrough Genomics
Classification: Uncertain significance. Review status: criteria provided, single submitter. Criteria: ACMG Guidelines, 2015. Collection method: not provided. Allele origin: germline. Inheritance: Autosomal recessive inheritance. Affected: yes.

Institute of Human Genetics, Univ. Regensburg, Univ. Regensburg
Classification: Uncertain significance for Retinal dystrophy. Last evaluated: 2019-01-01. Review status: no assertion criteria provided. Criteria: ACMG Guidelines, 2015. Collection method: clinical testing. Allele origin: germline. Affected: yes. Not counted in ClinVar's aggregate classification.

NM_016247.4(IMPG2):c.263G>T (p.Gly88Val)

Gene: IMPG2 (interphotoreceptor matrix proteoglycan 2; minus strand). Cytogenetic location: 3q12.3.
Variant type: single nucleotide variant.
Coding change: c.263G>T on transcript NM_016247.4 (MANE Select); coding-DNA position 263, G replaced by T.
Protein change: p.Gly88Val; replaces glycine 88 with valine.
Molecular consequence: missense variant.
Genome position (GRCh38, 1-based): chr3:101,319,655, C>A on the plus strand (G>T on the coding strand, the complement: IMPG2 is on the minus strand). VCF-style: chr3-101319655-C-A. GRCh37 (hg19) VCF-style: chr3-101038499-C-A.
Other names: short protein forms G88V.
Identifiers: ClinVar variation 954767 (VCV000954767.11), dbSNP rs759521183, ClinGen allele CA2519526.